The following is an entry in ClinVar:

ClinVar aggregate classification (germline): Benign/Likely benign. Review status: criteria provided, multiple submitters, no conflicts (2 of 4 stars). 3 submissions from 3 submitters: Benign (2); Likely benign (1). Last evaluated 2026-05-22.

Conditions:
TGM6-related disorder. Also called: TGM6-related condition.

Allele frequency attached by ClinVar (database versions not stated): ESP Exome Variant Server 0.00008; 1000 Genomes Project 30x 0.00031; gnomAD 0.00038; 1000 Genomes Project 0.00040; TOPMed 0.00042.
gnomAD v4.1: 187 of 1,614,236 alleles (0.012%); highest among the groups gnomAD compares: African/African-American, 0.092%; no homozygotes.

Submissions (3):

PreventionGenetics, part of Exact Sciences
Classification: Likely benign for TGM6-related condition. Last evaluated: 2026-05-22. Review status: criteria provided, single submitter. Criteria: ACMG Guidelines, 2015. Collection method: clinical testing. Allele origin: germline.
Comment: This variant is classified as likely benign based on ACMG/AMP sequence variant interpretation guidelines (Richards et al. 2015 PMID: 25741868, with internal and published modifications).

Labcorp Genetics (formerly Invitae), Labcorp
Classification: Benign. Last evaluated: 2025-12-16. Review status: criteria provided, single submitter. Criteria: Invitae Variant Classification Sherloc (09022015). Collection method: clinical testing. Allele origin: germline.

Athena Diagnostics
Classification: Benign. Last evaluated: 2017-06-16. Review status: criteria provided, single submitter. Criteria: Athena Diagnostics Criteria. Collection method: clinical testing. Allele origin: germline.

NM_198994.3(TGM6):c.380G>A (p.Arg127Gln)

Gene: TGM6 (transglutaminase 6; plus strand). Cytogenetic location: 20p13.
Variant type: single nucleotide variant.
Coding change: c.380G>A on transcript NM_198994.3 (MANE Select); coding-DNA position 380, G replaced by A.
Protein change: p.Arg127Gln; replaces arginine 127 with glutamine.
Molecular consequence: missense variant.
Genome position (GRCh38, 1-based): chr20:2,395,392, G>A. VCF-style: chr20-2395392-G-A. GRCh37 (hg19) VCF-style: chr20-2376038-G-A.
Other names: c.380G>A, p.Arg127Gln (NM_001254734.2); short protein forms R127Q.
Identifiers: ClinVar variation 448676 (VCV000448676.7), dbSNP rs146964822, ClinGen allele CA9731622.
Genomic context (GRCh38, chr20:2,395,392, plus strand): 5'-CTGTCATTGGCCGCTACCTGCTGAGCATCAGGCTTTCCTCTCACCGCAAACACAGCAACC[G>A]GAGGCTGGGCGAGTTTGTTCTCCTTTTCAACCCATGGTGTGCAGGTAGGAGTGGCCAAGT-3'
Protein context (NP_945345.2, residues 117-137): RLSSHRKHSN[Arg127Gln]RLGEFVLLFN